The following is an entry in ClinVar:

NM_000051.4(ATM):c.2601_2602dup (p.Asp868fs)

Gene: ATM (ATM serine/threonine kinase; plus strand). Cytogenetic location: 11q22.3.
Variant type: Duplication.
Coding change: c.2601_2602dup on transcript NM_000051.4 (MANE Select); coding-DNA positions 2601 to 2602, 2 bases duplicated (TG; older notation c.2601_2602dupTG).
Protein change: p.Asp868fs; shifts the reading frame from aspartic acid 868.
Molecular consequence: frameshift variant.
Genome position (GRCh38, 1-based): chr11:108,267,305-108,267,306, TG duplicated; duplicating any 2 consecutive bases within chr11:108,267,304-108,267,306 gives the same sequence; the c. name uses the placement nearest the transcript's 3' end. VCF-style (leftmost placement, unchanged base first): chr11-108267303-A-AGT. GRCh37 (hg19) VCF-style: chr11-108138030-A-AGT.
Other names: c.2601_2602dup, p.Asp868fs (NM_001351834.2); short protein forms D868fs.
Identifiers: ClinVar variation 1070223 (VCV001070223.7), dbSNP rs2135508789, ClinGen allele CA2499220581.
Genomic context (GRCh38, chr11:108,267,303, plus strand): 5'-ATGGAGGTGGAGGATCAGTCATCCATGAATCTATTTAACGATTACCCTGATAGTAGTGTT[A>AGT]GTGATGCAAACGAACCTGGAGAGAGCCAAAGTACCATAGGTAAATACATATTTACTACTT-3'

ClinVar aggregate classification (germline): Pathogenic (1 of 4 stars; one submission).

Conditions:
Ataxia-telangiectasia syndrome (AT). Also called: LOUIS-BAR SYNDROME; Ataxia-telangiectasia, complementation group D; AT, COMPLEMENTATION GROUP C; Cerebello-oculocutaneous telangiectasia; Immunodeficiency with ataxia telangiectasia; ATAXIA-TELANGIECTASIA, COMPLEMENTATION GROUP A. Identifiers: Orphanet 100, MedGen C0004135, MONDO:0008840, OMIM 208900.

Submission:

Labcorp Genetics (formerly Invitae), Labcorp
Classification: Pathogenic for Ataxia-telangiectasia syndrome. Last evaluated: 2020-02-25. Review status: criteria provided, single submitter. Criteria: Invitae Variant Classification Sherloc (09022015). Collection method: clinical testing. Allele origin: germline.
Comment: For these reasons, this variant has been classified as Pathogenic. Loss-of-function variants in ATM are known to be pathogenic (PMID: 23807571, 25614872). This variant has not been reported in the literature in individuals with ATM-related conditions. This variant is not present in population databases (ExAC no frequency). This sequence change creates a premature translational stop signal (p.Asp868Valfs*13) in the ATM gene. It is expected to result in an absent or disrupted protein product.

Literature cited by the submitters: PubMed 23807571; PubMed 25614872.